The following is an entry in ClinVar:

NM_001853.4(COL9A3):c.157G>C (p.Gly53Arg)

Gene: COL9A3 (collagen type IX alpha 3 chain; plus strand). Cytogenetic location: 20q13.33.
Variant type: single nucleotide variant.
Coding change: c.157G>C on transcript NM_001853.4 (MANE Select); coding-DNA position 157, G replaced by C.
Protein change: p.Gly53Arg; replaces glycine 53 with arginine.
Molecular consequence: missense variant.
Genome position (GRCh38, 1-based): chr20:62,818,527, G>C. VCF-style: chr20-62818527-G-C. GRCh37 (hg19) VCF-style: chr20-61449879-G-C.
Other names: short protein forms G53R.
Identifiers: ClinVar variation 2070303 (VCV002070303.4), dbSNP rs760414801, ClinGen allele CA409587430.
Genomic context (GRCh38, chr20:62,818,527, plus strand): 5'-CTTGAGGGACCCCTGATTTTCAGGGTTACATGTGGGTGTCTTTCCTCACAGGGAGAAGCT[G>C]GTCCTCCAGGTCTGCCTGGGCCCCCGGTGAGTGTCCCTGGCTGGGGAGACAGCCTTTTTC-3'
Protein context (NP_001844.3, residues 43-63): PGQDGIDGEA[Gly53Arg]PPGLPGPPGP

ClinVar aggregate classification (germline): Uncertain significance (1 of 4 stars; one submission).

gnomAD v4.1: 1 of 1,612,954 alleles (0.000062%); highest among the groups gnomAD compares: Non-Finnish European, 0.000085%; no homozygotes.

Submission:

Labcorp Genetics (formerly Invitae), Labcorp
Classification: Uncertain significance. Last evaluated: 2022-10-05. Review status: criteria provided, single submitter. Criteria: Invitae Variant Classification Sherloc (09022015). Collection method: clinical testing. Allele origin: germline.
Comment: In summary, the available evidence is currently insufficient to determine the role of this variant in disease. Therefore, it has been classified as a Variant of Uncertain Significance. Advanced modeling of protein sequence and biophysical properties (such as structural, functional, and spatial information, amino acid conservation, physicochemical variation, residue mobility, and thermodynamic stability) performed at Invitae indicates that this missense variant is expected to disrupt COL9A3 protein function. This variant has not been reported in the literature in individuals affected with COL9A3-related conditions. This variant is not present in population databases (gnomAD no frequency). This sequence change replaces glycine, which is neutral and non-polar, with arginine, which is basic and polar, at codon 53 of the COL9A3 protein (p.Gly53Arg).